The following is an entry in ClinVar:

ClinVar aggregate classification (germline): Uncertain significance. Review status: criteria provided, single submitter (1 of 4 stars). 2 submissions from 2 submitters: Uncertain significance (1). 1 of the submissions does not count toward it. Last evaluated 2024-11-05.

Conditions:
TCF12-related disorder. Also called: TCF12-related condition.

Allele frequency attached by ClinVar (database versions not stated): gnomAD exomes below 0.00001.
gnomAD v4.1: 1 of 1,613,984 alleles (0.000062%); highest among the groups gnomAD compares: Admixed American, 0.0017%; no homozygotes.

Submissions (2):

GeneDx
Classification: Uncertain significance. Last evaluated: 2024-11-05. Review status: criteria provided, single submitter. Criteria: GeneDx Variant Classification Process June 2021. Collection method: clinical testing. Allele origin: germline.
Comment: Not observed at significant frequency in large population cohorts (gnomAD); In silico analysis indicates that this missense variant does not alter protein structure/function; Has not been previously published as pathogenic or benign to our knowledge

PreventionGenetics, part of Exact Sciences
Classification: Uncertain significance for TCF12-related condition. Last evaluated: 2024-05-22. Review status: no assertion criteria provided. Collection method: clinical testing. Allele origin: germline. Not counted in ClinVar's aggregate classification.
Comment: The TCF12 c.1226A>C variant is predicted to result in the amino acid substitution p.Gln409Pro. To our knowledge, this variant has not been reported in the literature or in a large population database, indicating this variant is rare. At this time, the clinical significance of this variant is uncertain due to the absence of conclusive functional and genetic evidence.

NM_207037.2(TCF12):c.1226A>C (p.Gln409Pro)

Gene: TCF12 (transcription factor 12; plus strand). Cytogenetic location: 15q21.3.
Variant type: single nucleotide variant.
Coding change: c.1226A>C on transcript NM_207037.2 (MANE Select); coding-DNA position 1226, A replaced by C.
Protein change: p.Gln409Pro; replaces glutamine 409 with proline.
Molecular consequence: missense variant. On other transcripts: intron variant (8).
Genome position (GRCh38, 1-based): chr15:57,252,458, A>C. VCF-style: chr15-57252458-A-C. GRCh37 (hg19) VCF-style: chr15-57544656-A-C.
Other names: c.716A>C, p.Gln239Pro (NM_001306219.3); c.1226A>C, p.Gln409Pro (NM_001322151.2, NM_001322152.2, NM_001322159.3 and 3 more transcripts); c.569A>C, p.Gln190Pro (NM_001322154.2); c.1052A>C, p.Gln351Pro (NM_001322156.2); c.1189-804A>C (NM_001322157.3, NM_003205.4, NM_207038.2 and 1 more transcripts); c.1015-804A>C (NM_001322158.2); c.1225-804A>C (NM_001322164.2); c.679-804A>C (NM_207040.2); and 1 more; short protein forms Q190P, Q239P, Q351P, Q409P.
Identifiers: ClinVar variation 2576700 (VCV002576700.3), dbSNP rs2551483775, ClinGen allele CA392596997.